The following is an entry in ClinVar:

ClinVar aggregate classification (germline): Pathogenic (1 of 4 stars; one submission).

Conditions:
Duchenne muscular dystrophy (DMD). Also called: Duchenne Muscular Dystrophy (DMD); MUSCULAR DYSTROPHY, PSEUDOHYPERTROPHIC PROGRESSIVE, DUCHENNE TYPE. Identifiers: Orphanet 98896, MedGen C0013264, MONDO:0010679, OMIM 310200.

Submission:

Labcorp Genetics (formerly Invitae), Labcorp
Classification: Pathogenic for Duchenne muscular dystrophy. Last evaluated: 2020-11-04. Review status: criteria provided, single submitter. Criteria: Invitae Variant Classification Sherloc (09022015). Collection method: clinical testing. Allele origin: germline.
Comment: For these reasons, this variant has been classified as Pathogenic. The region of the DMD gene that includes exon(s) 49 has been determined to be clinically significant (PMID: 27854212, 26081009, 28610567). Therefore, deletions that encompass that region are likely to disrupt protein function and cause disease. This variant has not been reported in the literature in individuals with DMD-related conditions. This variant is a gross deletion of the genomic region encompassing exon(s) 49-67 of the DMD gene. This variant would be expected to be in-frame, preserving the integrity of the reading frame.

Literature cited by the submitters: PubMed 27854212; PubMed 26081009; PubMed 28610567.

NC_000023.10:g.(?_31222068)_(31854946_?)del

Gene: DMD (dystrophin; minus strand). Cytogenetic location: Xp21.2-21.1.
Variant type: Deletion.
Identifiers: ClinVar variation 1457551 (VCV001457551.7).